The following is an entry in ClinVar:

NM_014956.5(CEP164):c.4106C>T (p.Pro1369Leu)

Gene: CEP164 (centrosomal protein 164; plus strand). Cytogenetic location: 11q23.3.
Variant type: single nucleotide variant.
Coding change: c.4106C>T on transcript NM_014956.5 (MANE Select); coding-DNA position 4106, C replaced by T.
Protein change: p.Pro1369Leu; replaces proline 1369 with leucine.
Molecular consequence: missense variant.
Genome position (GRCh38, 1-based): chr11:117,410,837, C>T. VCF-style: chr11-117410837-C-T. GRCh37 (hg19) VCF-style: chr11-117281553-C-T.
Other names: c.4106C>T (NM_014956.4); c.4091C>T, p.Pro1364Leu (NM_001271933.2); short protein forms P1369L, P1364L.
Identifiers: ClinVar variation 1409536 (VCV001409536.31), dbSNP rs148116542, ClinGen allele CA6295708.
Genomic context (GRCh38, chr11:117,410,837, plus strand): 5'-CAGGGTGGTGACCACTGCCCATTTCTGAGTCCTGTCCCCATGCTCTTCCAGCTGGCATCC[C>T]GCTGCTCAGCAACAGCCCCACCCCGCTGGAGAGCAGGCTGGGTTACATGTCTGCCAGGTG-3'
Protein context (NP_055771.4, residues 1359-1379): KWRKYFPSGI[Pro1369Leu]LLSNSPTPLE

ClinVar aggregate classification (germline): Conflicting classifications of pathogenicity. Review status: criteria provided, conflicting classifications (1 of 4 stars). 5 submissions from 5 submitters: Uncertain significance (4); Likely benign (1). Last evaluated 2026-06-15.

Conditions:
Nephronophthisis 15 (NPHP15). Identifiers: Orphanet 3156, MedGen C3541853, MONDO:0013917, OMIM 614845.
CEP164-related disorder. Also called: CEP164-related condition.

Allele frequency attached by ClinVar (database versions not stated): gnomAD exomes 0.00003; ExAC 0.00004; gnomAD 0.00005 and 0.00006; TOPMed 0.00009; ESP Exome Variant Server 0.00023.
gnomAD v4.1: 41 of 1,612,674 alleles (0.0025%); highest among the groups gnomAD compares: African/African-American, 0.013%; no homozygotes.

Submissions (5):

PreventionGenetics, part of Exact Sciences
Classification: Uncertain significance for CEP164-related condition. Last evaluated: 2026-06-15. Review status: criteria provided, single submitter. Criteria: ACMG Guidelines, 2015. Collection method: clinical testing. Allele origin: germline.
Comment: The CEP164 c.4106C>T variant is predicted to result in the amino acid substitution p.Pro1369Leu. To our knowledge, this variant has not been reported in the literature. This variant is reported in 0.016% of alleles in individuals of African descent in gnomAD. At this time, the clinical significance of this variant is uncertain due to the absence of conclusive functional and genetic evidence.

Blueprint Genetics
Classification: Uncertain significance. Last evaluated: 2024-11-25. Review status: criteria provided, single submitter. Criteria: ACMG Guidelines, 2015. Collection method: clinical testing. Allele origin: germline.

Labcorp Genetics (formerly Invitae), Labcorp
Classification: Uncertain significance for Nephronophthisis 15. Last evaluated: 2024-10-23. Review status: criteria provided, single submitter. Criteria: Invitae Variant Classification Sherloc (09022015). Collection method: clinical testing. Allele origin: germline.
Comment: This sequence change replaces proline, which is neutral and non-polar, with leucine, which is neutral and non-polar, at codon 1369 of the CEP164 protein (p.Pro1369Leu). This variant is present in population databases (rs148116542, gnomAD 0.02%). This variant has not been reported in the literature in individuals affected with CEP164-related conditions. ClinVar contains an entry for this variant (Variation ID: 1409536). Invitae Evidence Modeling of protein sequence and biophysical properties (such as structural, functional, and spatial information, amino acid conservation, physicochemical variation, residue mobility, and thermodynamic stability) has been performed for this missense variant. However, the output from this modeling did not meet the statistical confidence thresholds required to predict the impact of this variant on CEP164 protein function. In summary, the available evidence is currently insufficient to determine the role of this variant in disease. Therefore, it has been classified as a Variant of Uncertain Significance.

Fulgent Genetics
Classification: Uncertain significance for Nephronophthisis 15. Last evaluated: 2024-04-10. Review status: criteria provided, single submitter. Criteria: ACMG Guidelines, 2015. Collection method: clinical testing. Allele origin: germline.

CeGaT Center for Human Genetics Tuebingen
Classification: Likely benign. Last evaluated: 2022-09-01. Review status: criteria provided, single submitter. Criteria: CeGaT Center For Human Genetics Tuebingen Variant Classification Criteria Version 2. Collection method: clinical testing. Allele origin: germline. Affected: yes. Observed: 1 variant allele.
Comment: CEP164: BP4